The following is an entry in ClinVar:

ClinVar aggregate classification (germline): Uncertain significance (1 of 4 stars; one submission).

Submission:

Labcorp Genetics (formerly Invitae), Labcorp
Classification: Uncertain significance. Last evaluated: 2022-05-07. Review status: criteria provided, single submitter. Criteria: Invitae Variant Classification Sherloc (09022015). Collection method: clinical testing. Allele origin: germline.
Comment: Advanced modeling of protein sequence and biophysical properties (such as structural, functional, and spatial information, amino acid conservation, physicochemical variation, residue mobility, and thermodynamic stability) performed at Invitae indicates that this missense variant is expected to disrupt OCA2 protein function. In summary, the available evidence is currently insufficient to determine the role of this variant in disease. Therefore, it has been classified as a Variant of Uncertain Significance. This variant has not been reported in the literature in individuals affected with OCA2-related conditions. This variant is not present in population databases (gnomAD no frequency). This sequence change replaces leucine, which is neutral and non-polar, with proline, which is neutral and non-polar, at codon 388 of the OCA2 protein (p.Leu388Pro).

NM_000275.3(OCA2):c.1163T>C (p.Leu388Pro)

Gene: OCA2 (OCA2 melanosomal transmembrane protein; minus strand). Cytogenetic location: 15q13.1.
Variant type: single nucleotide variant.
Coding change: c.1163T>C on transcript NM_000275.3 (MANE Select); coding-DNA position 1163, T replaced by C.
Protein change: p.Leu388Pro; replaces leucine 388 with proline.
Molecular consequence: missense variant.
Genome position (GRCh38, 1-based): chr15:27,989,620, A>G on the plus strand (T>C on the coding strand, the complement: OCA2 is on the minus strand). VCF-style: chr15-27989620-A-G. GRCh37 (hg19) VCF-style: chr15-28234766-A-G.
Other names: c.1091T>C, p.Leu364Pro (NM_001300984.2); short protein forms L364P, L388P.
Identifiers: ClinVar variation 2135087 (VCV002135087.4), dbSNP rs2548359584, ClinGen allele CA391361879.